The following is an entry in ClinVar:

ClinVar aggregate classification (germline): Uncertain significance. Review status: criteria provided, multiple submitters, no conflicts (2 of 4 stars). 2 submissions from 2 submitters: Uncertain significance (2). Last evaluated 2025-12-19.

Allele frequency attached by ClinVar (database versions not stated): ESP Exome Variant Server 0.00008; gnomAD exomes 0.00021.
gnomAD v4.1: 323 of 1,612,936 alleles (0.02%); highest among the groups gnomAD compares: Non-Finnish European, 0.025%; no homozygotes.

Submissions (2):

Ambry Genetics
Classification: Uncertain significance. Last evaluated: 2025-12-19. Review status: criteria provided, single submitter. Criteria: Ambry Variant Classification Scheme 2023. Collection method: clinical testing. Allele origin: germline.

Labcorp Genetics (formerly Invitae), Labcorp
Classification: Uncertain significance. Last evaluated: 2024-10-08. Review status: criteria provided, single submitter. Criteria: Invitae Variant Classification Sherloc (09022015). Collection method: clinical testing. Allele origin: germline.
Comment: This sequence change replaces valine, which is neutral and non-polar, with methionine, which is neutral and non-polar, at codon 577 of the FAM186B protein (p.Val577Met). This variant is present in population databases (rs371259662, gnomAD 0.02%). This variant has not been reported in the literature in individuals affected with FAM186B-related conditions. ClinVar contains an entry for this variant (Variation ID: 2176264). An algorithm developed to predict the effect of missense changes on protein structure and function (PolyPhen-2) suggests that this variant is likely to be disruptive. In summary, the available evidence is currently insufficient to determine the role of this variant in disease. Therefore, it has been classified as a Variant of Uncertain Significance.

NM_032130.3(FAM186B):c.1729G>A (p.Val577Met)

Gene: FAM186B (family with sequence similarity 186 member B; minus strand). Cytogenetic location: 12q13.12.
Variant type: single nucleotide variant.
Coding change: c.1729G>A on transcript NM_032130.3 (MANE Select); coding-DNA position 1729, G replaced by A.
Protein change: p.Val577Met; replaces valine 577 with methionine.
Molecular consequence: missense variant. On other transcripts: non-coding transcript variant (1).
Genome position (GRCh38, 1-based): chr12:49,599,911, C>T on the plus strand (G>A on the coding strand, the complement: FAM186B is on the minus strand). VCF-style: chr12-49599911-C-T. GRCh37 (hg19) VCF-style: chr12-49993694-C-T.
Other names: c.1729G>A (NM_032130.2); short protein forms V577M.
Identifiers: ClinVar variation 2176264 (VCV002176264.6), dbSNP rs371259662, ClinGen allele CA6554634.